The following is an entry in ClinVar:

NM_000138.5(FBN1):c.7820A>T (p.Asp2607Val)

Gene: FBN1 (fibrillin 1; minus strand). Cytogenetic location: 15q21.1.
Variant type: single nucleotide variant.
Coding change: c.7820A>T on transcript NM_000138.5 (MANE Select); coding-DNA position 7820, A replaced by T.
Protein change: p.Asp2607Val; replaces aspartic acid 2607 with valine.
Molecular consequence: missense variant.
Genome position (GRCh38, 1-based): chr15:48,415,767, T>A on the plus strand (A>T on the coding strand, the complement: FBN1 is on the minus strand). VCF-style: chr15-48415767-T-A. GRCh37 (hg19) VCF-style: chr15-48707964-T-A.
Other names: c.7820A>T, p.Asp2607Val (NM_001406716.1); short protein forms D2607V.
Identifiers: ClinVar variation 3600260 (VCV003600260.1).

ClinVar aggregate classification (germline): Uncertain significance (0 of 4 stars; one submission).

Conditions:
Marfan syndrome (MFS). Also called: MARFAN SYNDROME, TYPE I; Marfan syndrome type 1; Marfan's syndrome; FBN1-Related Marfan Syndrome; Marfan syndrome, classic. Identifiers: Orphanet 284963, Orphanet 558, MedGen C0024796, MONDO:0007947, OMIM 154700.

Submission:

Department of Laboratory Medicine and Genetics, Samsung Medical Center
Classification: Uncertain significance for Marfan syndrome. Last evaluated: 2025-01-02. Review status: no assertion criteria provided. Collection method: clinical testing. Allele origin: germline.
Comment: The NM_000138.5:c.7820A>T is considered to be rare in the general population database (gnomAD v2.1.1). This variant is predicted to be deleterious by in-silico analysis (REVEL). This variant is located in functional domains. In summary, the available evidence is currently insufficient to evaluate the pathogenicity of this variant, resulting its classification as a variant of uncertain significance (PM1, PP2, PP3, PM2_P).

Literature cited by the submitters: PubMed 37558401.